The following is an entry in ClinVar:

ClinVar aggregate classification (germline): Benign (1 of 4 stars; one submission).

Conditions:
Growth delay due to insulin-like growth factor type 1 deficiency (IGF1D). Also called: GROWTH RETARDATION WITH SENSORINEURAL DEAFNESS AND MENTAL RETARDATION; IGF1 DEFICIENCY. Identifiers: Orphanet 73272, MedGen C1837475, MONDO:0012110, OMIM 608747.

Allele frequency attached by ClinVar (database versions not stated): 1000 Genomes Project 30x 0.00812; 1000 Genomes Project 0.00819; TOPMed 0.00862; gnomAD 0.01052 and 0.01082; gnomAD exomes 0.02074.
gnomAD v4.1: 1,649 of 152,662 alleles (1.1%); highest among the groups gnomAD compares: South Asian, 1.9%; 18 homozygotes.

Submission:

Illumina Laboratory Services, Illumina
Classification: Benign for Growth delay due to insulin-like growth factor type 1 deficiency. Last evaluated: 2017-04-27. Review status: criteria provided, single submitter. Criteria: ICSL Variant Classification Criteria 13 December 2019. Collection method: clinical testing. Allele origin: germline.
Comment: This variant was observed as part of a predisposition screen in an ostensibly healthy population. A literature search was performed for the gene, cDNA change, and amino acid change (where applicable). Publications were found based on this search. The evidence from the literature, in combination with allele frequency data from public databases where available, was sufficient to rule this variant out of causing disease. Therefore, this variant is classified as benign.

Literature cited by the submitters: PubMed 18317720; PubMed 21915365.

NM_000618.5(IGF1):c.*771T>C

Genes: LINC02456 (long intergenic non-protein coding RNA 2456; plus strand), IGF1 (insulin like growth factor 1; minus strand). Cytogenetic location: 12q23.2.
Variant type: single nucleotide variant.
Coding change: c.*771T>C on transcript NM_000618.5 (MANE Select); 771 bases downstream of the stop codon, T replaced by C.
Molecular consequence: 3 prime UTR variant.
Genome position (GRCh38, 1-based): chr12:102,401,736, A>G on the plus strand (T>C on the coding strand, the complement: IGF1 is on the minus strand). VCF-style: chr12-102401736-A-G. GRCh37 (hg19) VCF-style: chr12-102795514-A-G.
Other names: c.*805T>C (NM_001111283.3); c.*771T>C (NM_001111284.2).
Identifiers: ClinVar variation 881950 (VCV000881950.4), dbSNP rs3730204, ClinGen allele CA242630876.